The following is an entry in ClinVar:

NM_000540.3(RYR1):c.11444T>C (p.Met3815Thr)

Gene: RYR1 (ryanodine receptor 1; plus strand). Cytogenetic location: 19q13.2.
Variant type: single nucleotide variant.
Coding change: c.11444T>C on transcript NM_000540.3 (MANE Select); coding-DNA position 11444, T replaced by C.
Protein change: p.Met3815Thr; replaces methionine 3815 with threonine.
Molecular consequence: missense variant.
Genome position (GRCh38, 1-based): chr19:38,535,320, T>C. VCF-style: chr19-38535320-T-C. GRCh37 (hg19) VCF-style: chr19-39025960-T-C.
Other names: c.11429T>C, p.Met3810Thr (NM_001042723.2); short protein forms M3810T, M3815T.
Identifiers: ClinVar variation 3382070 (VCV003382070.2).

ClinVar aggregate classification (germline): Uncertain significance (1 of 4 stars; one submission).

Conditions:
Congenital multicore myopathy with external ophthalmoplegia (CMYO1B). Also called: MULTICORE MYOPATHY; Minicore myopathy with external ophthalmoplegia; MULTIMINICORE DISEASE WITH EXTERNAL OPHTHALMOPLEGIA; Congenital myopathy 1B, autosomal recessive; Minicore myopathy. Identifiers: Orphanet 598, Orphanet 98905, MedGen C1850674, MONDO:0009712, OMIM 255320, HP:0003789.
King Denborough syndrome (KDS). Identifiers: MedGen C1840365, MONDO:0020485, OMIM 619542.
Malignant hyperthermia, susceptibility to, 1 (MHS1). Also called: Anesthesia related hyperthermia; Malignant hyperpyrexia; Fulminating hyperpyrexia; Pharmacogenic myopathy; Malignant hyperthermia suceptibility 1; RYR1-Related Malignant Hyperthermia Susceptibility. Identifiers: Orphanet 423, MedGen C2930980, MONDO:0007783, OMIM 145600.
Central core myopathy (CMYO1A). Also called: CONGENITAL MYOPATHY 1A, AUTOSOMAL DOMINANT, WITH SUSCEPTIBILITY TO MALIGNANT HYPERTHERMIA; Central core disease; Myopathy, central fibrillar. Identifiers: Orphanet 597, MedGen C5830701, MONDO:0007294, OMIM 117000.

Submission:

Juno Genomics, Hangzhou Juno Genomics, Inc
Classification: Uncertain significance for Central core myopathy; Congenital multicore myopathy with external ophthalmoplegia; Malignant hyperthermia, susceptibility to, 1; King Denborough syndrome. Review status: criteria provided, single submitter. Criteria: ACMG Guidelines, 2015. Collection method: clinical testing. Allele origin: germline. Affected: yes.
Comment: Absent from controls (or at extremely low frequency if recessive) in Genome Aggregation Database, Exome Sequencing Project, 1000 Genomes Project, or Exome Aggregation Consortium.;Multiple lines of computational evidence support a deleterious effect on the gene or gene product (conservation, evolutionary, splicing impact, etc).